The following is an entry in ClinVar:

ClinVar aggregate classification (germline): Likely benign. Review status: criteria provided, multiple submitters, no conflicts (2 of 4 stars). 4 submissions from 4 submitters: Likely benign (4). Last evaluated 2025-12-16.

Conditions:
Cardiovascular phenotype. Identifiers: MedGen CN230736.
Arrhythmogenic right ventricular cardiomyopathy (ARVD). Also called: Arrhythmogenic cardiomyopathy; Cardiomyopathy, ARVC; Arrhythmogenic right ventricular dysplasia; Arrhythmogenic Right Ventricular Cardiomyopathy (ARVC). Identifiers: Orphanet 247, MedGen C0349788, MeSH D019571, MONDO:0016587. Disease mechanism: loss of function. Inheritance: Various modes of inheritance.
Cardiomyopathy (CMYO). Also called: Cardiomyopathies. Identifiers: Orphanet 167848, MedGen C0878544, MONDO:0004994, HP:0001638. Inheritance: Various modes of inheritance.
Arrhythmogenic right ventricular dysplasia 9 (ARVD9). Also called: Arrhythmogenic Right Ventricular Dysplasia/Cardiomyopathy 9; ARRHYTHMOGENIC RIGHT VENTRICULAR DYSPLASIA, FAMILIAL, 9. Identifiers: MedGen C1836906, MONDO:0012180, OMIM 609040.

Allele frequency attached by ClinVar (database versions not stated): gnomAD below 0.00001 and 0.00002; TOPMed 0.00001; ExAC 0.00002; gnomAD exomes 0.00002.
gnomAD v4.1: 36 of 1,613,830 alleles (0.0022%); highest among the groups gnomAD compares: South Asian, 0.03%; no homozygotes.

Submissions (4):

Ambry Genetics
Classification: Likely benign for Cardiovascular phenotype. Last evaluated: 2025-12-16. Review status: criteria provided, single submitter. Criteria: Ambry Variant Classification Scheme 2023. Collection method: clinical testing. Allele origin: germline.

Labcorp Genetics (formerly Invitae), Labcorp
Classification: Likely benign for Arrhythmogenic right ventricular dysplasia 9. Last evaluated: 2025-09-10. Review status: criteria provided, single submitter. Criteria: Invitae Variant Classification Sherloc (09022015). Collection method: clinical testing. Allele origin: germline.

All of Us Research Program, National Institutes of Health
Classification: Likely benign for Arrhythmogenic right ventricular cardiomyopathy. Last evaluated: 2023-12-01. Review status: criteria provided, single submitter. Criteria: ACMG Guidelines, 2015. Collection method: clinical testing. Allele origin: germline. Inheritance: Autosomal dominant inheritance. Observed: 3 variant alleles, 3 heterozygotes.
Comment: This study involves interpretation of variants in research participants for the purpose of population health screening. Participant phenotype was not available at the time of variant classification. Additional details can be found in publication PMID: 35346344, PMCID: PMC8962531

Color Diagnostics, LLC DBA Color Health
Classification: Likely benign for Cardiomyopathy. Last evaluated: 2019-03-22. Review status: criteria provided, single submitter. Criteria: ACMG Guidelines, 2015. Collection method: clinical testing. Allele origin: germline.

NM_001005242.3(PKP2):c.1851C>T (p.Asp617=)

Gene: PKP2 (plakophilin 2; minus strand). Cytogenetic location: 12p11.21.
Variant type: single nucleotide variant.
Coding change: c.1851C>T on transcript NM_001005242.3 (MANE Select); coding-DNA position 1851, C replaced by T.
Protein change: p.Asp617=; no amino-acid change (aspartic acid 617 retained).
Molecular consequence: synonymous variant.
Genome position (GRCh38, 1-based): chr12:32,821,518, G>A on the plus strand (C>T on the coding strand, the complement: PKP2 is on the minus strand). VCF-style: chr12-32821518-G-A. GRCh37 (hg19) VCF-style: chr12-32974452-G-A.
Other names: c.1983C>T, p.Asp661= (NM_004572.4).
Identifiers: ClinVar variation 922811 (VCV000922811.11), dbSNP rs752732048, ClinGen allele CA032029.